The following is an entry in ClinVar:

NM_182641.4(BPTF):c.1436+9A>G

Gene: BPTF (bromodomain PHD finger transcription factor; plus strand). Cytogenetic location: 17q24.2.
Variant type: single nucleotide variant.
Coding change: c.1436+9A>G on transcript NM_182641.4 (MANE Select); 9 bases into the intron after coding-DNA position 1436, A replaced by G.
Molecular consequence: intron variant.
Genome position (GRCh38, 1-based): chr17:67,854,771, A>G. VCF-style: chr17-67854771-A-G. GRCh37 (hg19) VCF-style: chr17-65850887-A-G.
Other names: c.1436+9A>G (NM_004459.7).
Identifiers: ClinVar variation 2074664 (VCV002074664.6), dbSNP rs759157712, ClinGen allele CA8725129.

ClinVar aggregate classification (germline): Conflicting classifications of pathogenicity. Review status: criteria provided, conflicting classifications (1 of 4 stars). 2 submissions from 2 submitters: Uncertain significance (1); Benign (1). Last evaluated 2026-01-09.

Allele frequency attached by ClinVar (database versions not stated): gnomAD exomes 0.00006; ExAC 0.00013; gnomAD 0.00007; TOPMed 0.00011.
gnomAD v4.1: 110 of 1,591,772 alleles (0.0069%); highest among the groups gnomAD compares: Non-Finnish European, 0.0023%; no homozygotes.

Submissions (2):

Dasa
Classification: Uncertain significance. Last evaluated: 2026-01-09. Review status: criteria provided, single submitter. Criteria: DASA Assertion Criteria. Collection method: clinical testing. Allele origin: germline.
Comment: NM_182641.4(BPTF):c.1436+9A>G is a splice-region variant predicted to affect normal RNA splicing. This variant is rare in population databases. Computational prediction algorithms are consistent with a deleterious effect. The currently available literature and clinical evidence are not sufficient to establish a definitive association between this variant and the reported condition. Therefore, this variant is classified as a variant of uncertain significance.

Labcorp Genetics (formerly Invitae), Labcorp
Classification: Benign. Last evaluated: 2025-12-15. Review status: criteria provided, single submitter. Criteria: Invitae Variant Classification Sherloc (09022015). Collection method: clinical testing. Allele origin: germline.